The following is an entry in ClinVar:

ClinVar aggregate classification (germline): Likely benign. Review status: criteria provided, multiple submitters, no conflicts (2 of 4 stars). 6 submissions from 6 submitters: Likely benign (6). Last evaluated 2025-11-05.

Conditions:
Multiple endocrine neoplasia, type 2 (MEN2). Identifiers: Orphanet 653, MedGen C4048306, MONDO:0019003. Disease mechanism: gain of function.
Hereditary cancer-predisposing syndrome. Also called: Hereditary Cancer Syndrome; Tumor predisposition; Hereditary neoplastic syndrome; Neoplastic Syndromes, Hereditary. Identifiers: Orphanet 140162, MedGen C0027672, MeSH D009386, MONDO:0015356.

Allele frequency attached by ClinVar (database versions not stated): TOPMed 0.00003.
gnomAD v4.1: 18 of 1,614,048 alleles (0.0011%); highest among the groups gnomAD compares: South Asian, 0.0022%; no homozygotes.

Submissions (6):

Labcorp Genetics (formerly Invitae), Labcorp
Classification: Likely benign for Multiple endocrine neoplasia, type 2. Last evaluated: 2025-11-05. Review status: criteria provided, single submitter. Criteria: Invitae Variant Classification Sherloc (09022015). Collection method: clinical testing. Allele origin: germline.

All of Us Research Program, National Institutes of Health
Classification: Likely benign for Multiple endocrine neoplasia, type 2. Last evaluated: 2024-02-05. Review status: criteria provided, single submitter. Criteria: ACMG Guidelines, 2015. Collection method: clinical testing. Allele origin: germline. Inheritance: Autosomal dominant inheritance. Observed: 1 variant allele, 1 heterozygote.
Comment: This study involves interpretation of variants in research participants for the purpose of population health screening. Participant phenotype was not available at the time of variant classification. Additional details can be found in publication PMID: 35346344, PMCID: PMC8962531

Blueprint Genetics
Classification: Likely benign. Last evaluated: 2023-03-14. Review status: criteria provided, single submitter. Criteria: ACMG Guidelines, 2015. Collection method: clinical testing. Allele origin: germline.

Women's Health and Genetics/Laboratory Corporation of America, LabCorp
Classification: Likely benign. Last evaluated: 2021-03-06. Review status: criteria provided, single submitter. Criteria: LabCorp Variant Classification Summary - May 2015. Collection method: clinical testing. Allele origin: germline.

Ambry Genetics
Classification: Likely benign for Hereditary cancer-predisposing syndrome. Last evaluated: 2020-03-25. Review status: criteria provided, single submitter. Criteria: Ambry Variant Classification Scheme 2023. Collection method: clinical testing. Allele origin: germline.

GeneDx
Classification: Likely benign. Last evaluated: 2018-01-04. Review status: criteria provided, single submitter. Criteria: GeneDx Variant Classification (06012015). Collection method: clinical testing. Allele origin: germline. Affected: yes.
Comment: This variant is considered likely benign or benign based on one or more of the following criteria: it is a conservative change, it occurs at a poorly conserved position in the protein, it is predicted to be benign by multiple in silico algorithms, and/or has population frequency not consistent with disease.

NM_020975.6(RET):c.1353G>A (p.Thr451=)

Gene: RET (ret proto-oncogene; plus strand). Cytogenetic location: 10q11.21.
Variant type: single nucleotide variant.
Coding change: c.1353G>A on transcript NM_020975.6 (MANE Select); coding-DNA position 1353, G replaced by A.
Protein change: p.Thr451=; no amino-acid change (threonine 451 retained).
Molecular consequence: synonymous variant. On other transcripts: intron variant (15).
Genome position (GRCh38, 1-based): chr10:43,111,296, G>A. VCF-style: chr10-43111296-G-A. GRCh37 (hg19) VCF-style: chr10-43606744-G-A.
Other names: c.1353G>A, p.Thr451= (NM_000323.2, NM_001406743.1, NM_001406744.1 and 6 more transcripts); c.591G>A, p.Thr197= (NM_001355216.2); c.1224G>A, p.Thr408= (NM_001406761.1, NM_001406762.1, NM_001406764.1 and 1 more transcripts); c.1065G>A, p.Thr355= (NM_001406766.1, NM_001406767.1, NM_001406770.1); c.957G>A, p.Thr319= (NM_001406769.1, NM_001406772.1); c.915G>A, p.Thr305= (NM_001406771.1, NM_001406773.1); c.828G>A, p.Thr276= (NM_001406774.1); c.627G>A, p.Thr209= (NM_001406775.1, NM_001406776.1, NM_001406777.1 and 1 more transcripts); and 5 more.
Identifiers: ClinVar variation 514580 (VCV000514580.18), dbSNP rs201568301, ClinGen allele CA033215.